The following is an entry in ClinVar:

NM_000064.4(C3):c.2399C>G (p.Thr800Ser)

Gene: C3 (complement C3; minus strand). Cytogenetic location: 19p13.3.
Variant type: single nucleotide variant.
Coding change: c.2399C>G on transcript NM_000064.4 (MANE Select); coding-DNA position 2399, C replaced by G.
Protein change: p.Thr800Ser; replaces threonine 800 with serine.
Molecular consequence: missense variant.
Genome position (GRCh38, 1-based): chr19:6,702,168, G>C on the plus strand (C>G on the coding strand, the complement: C3 is on the minus strand). VCF-style: chr19-6702168-G-C. GRCh37 (hg19) VCF-style: chr19-6702179-G-C.
Other names: short protein forms T800S.
Identifiers: ClinVar variation 2855656 (VCV002855656.3), dbSNP rs1967690394, ClinGen allele CA403634996.

ClinVar aggregate classification (germline): Uncertain significance (1 of 4 stars; one submission).

Submission:

Labcorp Genetics (formerly Invitae), Labcorp
Classification: Uncertain significance. Last evaluated: 2023-04-12. Review status: criteria provided, single submitter. Criteria: Invitae Variant Classification Sherloc (09022015). Collection method: clinical testing. Allele origin: germline.
Comment: In summary, the available evidence is currently insufficient to determine the role of this variant in disease. Therefore, it has been classified as a Variant of Uncertain Significance. Advanced modeling of protein sequence and biophysical properties (such as structural, functional, and spatial information, amino acid conservation, physicochemical variation, residue mobility, and thermodynamic stability) performed at Invitae indicates that this missense variant is expected to disrupt C3 protein function. This variant has not been reported in the literature in individuals affected with C3-related conditions. This variant is not present in population databases (gnomAD no frequency). This sequence change replaces threonine, which is neutral and polar, with serine, which is neutral and polar, at codon 800 of the C3 protein (p.Thr800Ser).